The following is an entry in ClinVar:

NM_007194.4(CHEK2):c.640A>C (p.Lys214Gln)

Gene: CHEK2 (checkpoint kinase 2; minus strand). Cytogenetic location: 22q12.1.
Variant type: single nucleotide variant.
Coding change: c.640A>C on transcript NM_007194.4 (MANE Select); coding-DNA position 640, A replaced by C.
Protein change: p.Lys214Gln; replaces lysine 214 with glutamine.
Molecular consequence: missense variant. On other transcripts: 5 prime UTR variant (2), intron variant (1).
Genome position (GRCh38, 1-based): chr22:28,719,438, T>G on the plus strand (A>C on the coding strand, the complement: CHEK2 is on the minus strand). VCF-style: chr22-28719438-T-G. GRCh37 (hg19) VCF-style: chr22-29115426-T-G.
Other names: c.-24A>C (NM_001257387.3, NM_001437942.1); c.733A>C, p.Lys245Gln (NM_001438293.1, NM_001438295.1); c.769A>C, p.Lys257Gln (NM_001438294.1, NM_001005735.3); c.640A>C, p.Lys214Gln (NM_145862.3); c.482+5448A>C (NM_001349956.3); short protein forms K214Q, K257Q, K245Q.
Identifiers: ClinVar variation 4002258 (VCV004002258.2).

ClinVar aggregate classification (germline): Uncertain significance. Review status: criteria provided, multiple submitters, no conflicts (2 of 4 stars). 2 submissions from 2 submitters: Uncertain significance (2). Last evaluated 2025-07-22.

Conditions:
Familial cancer of breast. Also called: Hereditary breast cancer; hereditary breast carcinoma; BREAST CANCER, FAMILIAL. Identifiers: Orphanet 227535, MedGen C0346153, MONDO:0016419, OMIM 114480. Disease mechanism: loss of function.
Hereditary cancer-predisposing syndrome. Also called: Tumor predisposition; Hereditary neoplastic syndrome; Neoplastic Syndromes, Hereditary; Hereditary Cancer Syndrome. Identifiers: Orphanet 140162, MedGen C0027672, MeSH D009386, MONDO:0015356.

Submissions (2):

Labcorp Genetics (formerly Invitae), Labcorp
Classification: Uncertain significance for Familial cancer of breast. Last evaluated: 2025-07-22. Review status: criteria provided, single submitter. Criteria: Invitae Variant Classification Sherloc (09022015). Collection method: clinical testing. Allele origin: germline.
Comment: This sequence change replaces lysine, which is basic and polar, with glutamine, which is neutral and polar, at codon 214 of the CHEK2 protein (p.Lys214Gln). This variant is not present in population databases (gnomAD no frequency). This variant has not been reported in the literature in individuals affected with CHEK2-related conditions. An algorithm developed to predict the effect of missense changes on protein structure and function (PolyPhen-2) suggests that this variant is likely to be tolerated. In summary, the available evidence is currently insufficient to determine the role of this variant in disease. Therefore, it has been classified as a Variant of Uncertain Significance.

Ambry Genetics
Classification: Uncertain significance for Hereditary cancer-predisposing syndrome. Last evaluated: 2025-04-11. Review status: criteria provided, single submitter. Criteria: Ambry Variant Classification Scheme 2023. Collection method: clinical testing. Allele origin: germline.
Comment: The p.K214Q variant (also known as c.640A>C), located in coding exon 4 of the CHEK2 gene, results from an A to C substitution at nucleotide position 640. The lysine at codon 214 is replaced by glutamine, an amino acid with similar properties. This amino acid position is conserved. In addition, this alteration is predicted to be tolerated by in silico analysis. Based on the available evidence, the clinical significance of this variant remains unclear.